The following is an entry in ClinVar:

NM_001130009.3(GEN1):c.1861A>G (p.Ile621Val)

Gene: GEN1 (GEN1 Holliday junction 5' flap endonuclease; plus strand). Cytogenetic location: 2p24.2.
Variant type: single nucleotide variant.
Coding change: c.1861A>G on transcript NM_001130009.3 (MANE Select); coding-DNA position 1861, A replaced by G.
Protein change: p.Ile621Val; replaces isoleucine 621 with valine.
Molecular consequence: missense variant.
Genome position (GRCh38, 1-based): chr2:17,781,073, A>G. VCF-style: chr2-17781073-A-G. GRCh37 (hg19) VCF-style: chr2-17962340-A-G.
Other names: c.1861A>G, p.Ile621Val (NM_182625.5); short protein forms I621V.
Identifiers: ClinVar variation 4029332 (VCV004029332.1).

ClinVar aggregate classification (germline): Uncertain significance (1 of 4 stars; one submission).

Submission:

Ambry Genetics
Classification: Uncertain significance. Last evaluated: 2025-06-07. Review status: criteria provided, single submitter. Criteria: Ambry Variant Classification Scheme 2023. Collection method: clinical testing. Allele origin: germline.
Comment: The p.I621V variant (also known as c.1861A>G), located in coding exon 13 of the GEN1 gene, results from an A to G substitution at nucleotide position 1861. The isoleucine at codon 621 is replaced by valine, an amino acid with highly similar properties. This amino acid position is conserved. In addition, this alteration is predicted to be tolerated by in silico analysis. Based on the available evidence, the clinical significance of this variant remains unclear.